The following is an entry in ClinVar:

NM_000159.4(GCDH):c.658G>A (p.Asp220Asn)

Gene: GCDH (glutaryl-CoA dehydrogenase; plus strand). Cytogenetic location: 19p13.13.
Variant type: single nucleotide variant.
Coding change: c.658G>A on transcript NM_000159.4 (MANE Select); coding-DNA position 658, G replaced by A.
Protein change: p.Asp220Asn; replaces aspartic acid 220 with asparagine.
Molecular consequence: missense variant. On other transcripts: non-coding transcript variant (1).
Genome position (GRCh38, 1-based): chr19:12,896,227, G>A. VCF-style: chr19-12896227-G-A. GRCh37 (hg19) VCF-style: chr19-13007041-G-A.
Other names: c.658G>A, p.Asp220Asn (NM_013976.5); short protein forms D220N.
Identifiers: ClinVar variation 839322 (VCV000839322.14), dbSNP rs375357230, ClinGen allele CA9234461.
Genomic context (GRCh38, chr19:12,896,227, plus strand): 5'-GCACTGGTCAGACCCCTCACCGACTGTTCCATCCCCAGGATCACGAACTCGCCTATGGCC[G>A]ATCTGTTTGTAGTGTGGGCTCGGTGTGAAGATGGCTGCATTCGGGGCTTCCTGCTGGAGA-3'
Protein context (NP_000150.1, residues 210-230): KTWITNSPMA[Asp220Asn]LFVVWARCED

ClinVar aggregate classification (germline): Conflicting classifications of pathogenicity. Review status: criteria provided, conflicting classifications (1 of 4 stars). 2 submissions from 2 submitters: Pathogenic (1); Uncertain significance (1). Last evaluated 2025-07-24.

Conditions:
Glutaric aciduria, type 1. Also called: Glutaryl-CoA dehydrogenase deficiency; Glutaricaciduria, type I; GA I; Glutaric acidemia type I; Glutaricacidemia Type 1; Glutaric Acidemia Type 1. Identifiers: Orphanet 25, MedGen C0268595, MONDO:0009281, OMIM 231670.

Allele frequency attached by ClinVar (database versions not stated): TOPMed 0.00001; ExAC 0.00002; gnomAD exomes 0.00002; ESP Exome Variant Server 0.00008.
gnomAD v4.1: 18 of 1,614,164 alleles (0.0011%); highest among the groups gnomAD compares: Non-Finnish European, 0.0013%; no homozygotes.

Submissions (2):

Labcorp Genetics (formerly Invitae), Labcorp
Classification: Pathogenic for Glutaric aciduria, type 1. Last evaluated: 2025-07-24. Review status: criteria provided, single submitter. Criteria: Invitae Variant Classification Sherloc (09022015). Collection method: clinical testing. Allele origin: germline.
Comment: This sequence change replaces aspartic acid, which is acidic and polar, with asparagine, which is neutral and polar, at codon 220 of the GCDH protein (p.Asp220Asn). This variant is present in population databases (rs375357230, gnomAD 0.007%). This missense change has been observed in individual(s) with glutaric aciduria type I (PMID: 23395213; internal data). In at least one individual the data is consistent with being in trans (on the opposite chromosome) from a pathogenic variant. ClinVar contains an entry for this variant (Variation ID: 839322). Invitae Evidence Modeling of protein sequence and biophysical properties (such as structural, functional, and spatial information, amino acid conservation, physicochemical variation, residue mobility, and thermodynamic stability) indicates that this missense variant is not expected to disrupt GCDH protein function with a negative predictive value of 80%. This variant disrupts the p.Asp220 amino acid residue in GCDH. Other variant(s) that disrupt this residue have been observed in individuals with GCDH-related conditions (PMID: 20514322), which suggests that this may be a clinically significant amino acid residue. For these reasons, this variant has been classified as Pathogenic.

Illumina Laboratory Services, Illumina
Classification: Uncertain significance for Glutaric aciduria, type 1. Last evaluated: 2017-04-28. Review status: criteria provided, single submitter. Criteria: ICSL Variant Classification Criteria 13 December 2019. Collection method: clinical testing. Allele origin: germline.
Comment: This variant was observed as part of a predisposition screen in an ostensibly healthy population. A literature search was performed for the gene, cDNA change, and amino acid change (where applicable). Publications were found based on this search. However, the evidence from the literature, in combination with allele frequency data from public databases where available, was not sufficient to rule this variant in or out of causing disease. Therefore, this variant is classified as a variant of unknown significance.

Literature cited by the submitters: PubMed 23395213 (cited by Labcorp Genetics (formerly Invitae), Labcorp and Illumina Laboratory Services, Illumina); PubMed 20514322 (cited by Labcorp Genetics (formerly Invitae), Labcorp and Illumina Laboratory Services, Illumina); PubMed 24795062 (cited by Illumina Laboratory Services, Illumina).